The following is an entry in ClinVar:

ClinVar aggregate classification (germline): Likely pathogenic. Review status: criteria provided, multiple submitters, no conflicts (2 of 4 stars). 2 submissions from 2 submitters: Likely pathogenic (2). Last evaluated 2024-02-08.

Conditions:
Werner syndrome (WRN). Identifiers: Orphanet 902, MedGen C0043119, MONDO:0010196, OMIM 277700.

Allele frequency attached by ClinVar (database versions not stated): gnomAD 0.00001.
gnomAD v4.1: 2 of 1,613,220 alleles (0.00012%); highest among the groups gnomAD compares: South Asian, 0.0011%; no homozygotes.

Submissions (2):

Labcorp Genetics (formerly Invitae), Labcorp
Classification: Likely pathogenic for Werner syndrome. Last evaluated: 2024-02-08. Review status: criteria provided, single submitter. Criteria: Invitae Variant Classification Sherloc (09022015). Collection method: clinical testing. Allele origin: germline.
Comment: This sequence change affects a donor splice site in intron 2 of the WRN gene. It is expected to disrupt RNA splicing. Variants that disrupt the donor or acceptor splice site typically lead to a loss of protein function (PMID: 16199547), and loss-of-function variants in WRN are known to be pathogenic (PMID: 16673358). This variant is not present in population databases (gnomAD no frequency). This variant has not been reported in the literature in individuals affected with WRN-related conditions. ClinVar contains an entry for this variant (Variation ID: 1704507). Algorithms developed to predict the effect of sequence changes on RNA splicing suggest that this variant may disrupt the consensus splice site. In summary, the currently available evidence indicates that the variant is pathogenic, but additional data are needed to prove that conclusively. Therefore, this variant has been classified as Likely Pathogenic.

Women's Health and Genetics/Laboratory Corporation of America, LabCorp
Classification: Likely pathogenic for Werner syndrome. Last evaluated: 2022-07-30. Review status: criteria provided, single submitter. Criteria: LabCorp Variant Classification Summary - May 2015. Collection method: clinical testing. Allele origin: germline.
Comment: Variant summary: WRN c.96+1G>T is located in a canonical splice-site and is predicted to affect mRNA splicing resulting in a significantly altered protein due to either exon skipping, shortening, or inclusion of intronic material. Several computational tools predict a significant impact on normal splicing: Four predict the variant abolishes the canonical 5' splicing donor site. However, these predictions have yet to be confirmed by functional studies. The variant was absent in 250198 control chromosomes. To our knowledge, no occurrence of c.96+1G>T in individuals affected with Werner Syndrome and no experimental evidence demonstrating its impact on protein function have been reported. No clinical diagnostic laboratories have submitted clinical-significance assessments for this variant to ClinVar after 2014. Based on the evidence outlined above, the variant was classified as likely pathogenic.

Literature cited by the submitters: PubMed 16199547 (cited by Labcorp Genetics (formerly Invitae), Labcorp); PubMed 16673358 (cited by Labcorp Genetics (formerly Invitae), Labcorp).

NM_000553.6(WRN):c.96+1G>T

Gene: WRN (WRN RecQ like helicase; plus strand). Cytogenetic location: 8p12.
Variant type: single nucleotide variant.
Coding change: c.96+1G>T on transcript NM_000553.6 (MANE Select); the canonical splice donor site of the intron after coding-DNA position 96, G replaced by T.
Molecular consequence: splice donor variant.
Genome position (GRCh38, 1-based): chr8:31,058,544, G>T. VCF-style: chr8-31058544-G-T. GRCh37 (hg19) VCF-style: chr8-30916060-G-T.
Identifiers: ClinVar variation 1704507 (VCV001704507.4), dbSNP rs1258953831, ClinGen allele CA370912302.